The following is an entry in ClinVar:

NM_000213.5(ITGB4):c.5407C>T (p.Arg1803Trp)

Genes: ITGB4 (integrin subunit beta 4; plus strand), GALK1 (galactokinase 1; minus strand). Cytogenetic location: 17q25.1.
Variant type: single nucleotide variant.
Coding change: c.5407C>T on transcript NM_000213.5 (MANE Select); coding-DNA position 5407, C replaced by T.
Protein change: p.Arg1803Trp; replaces arginine 1803 with tryptophan.
Molecular consequence: missense variant. On other transcripts: intron variant (1).
Genome position (GRCh38, 1-based): chr17:75,757,493, C>T. VCF-style: chr17-75757493-C-T. GRCh37 (hg19) VCF-style: chr17-73753574-C-T.
Other names: c.5356C>T, p.Arg1786Trp (NM_001005619.2); c.5197C>T, p.Arg1733Trp (NM_001005731.3, NM_001321123.2); c.5047C>T, p.Arg1683Trp (NM_001438834.1); c.*22+541G>A (NM_001381985.1); short protein forms R1786W, R1803W, R1733W, R1683W.
Identifiers: ClinVar variation 1898241 (VCV001898241.2), dbSNP rs773923807, ClinGen allele CA8770596.

ClinVar aggregate classification (germline): Uncertain significance (1 of 4 stars; one submission).

Allele frequency attached by ClinVar (database versions not stated): TOPMed 0.00001; gnomAD 0.00001; ExAC 0.00002; gnomAD exomes 0.00001.
gnomAD v4.1: 22 of 1,612,956 alleles (0.0014%); highest among the groups gnomAD compares: South Asian, 0.0033%; no homozygotes.

Submission:

Labcorp Genetics (formerly Invitae), Labcorp
Classification: Uncertain significance. Last evaluated: 2022-07-12. Review status: criteria provided, single submitter. Criteria: Invitae Variant Classification Sherloc (09022015). Collection method: clinical testing. Allele origin: germline.
Comment: This sequence change replaces arginine, which is basic and polar, with tryptophan, which is neutral and slightly polar, at codon 1733 of the ITGB4 protein (p.Arg1733Trp). This variant is present in population databases (rs773923807, gnomAD 0.006%). This variant has not been reported in the literature in individuals affected with ITGB4-related conditions. Algorithms developed to predict the effect of missense changes on protein structure and function are either unavailable or do not agree on the potential impact of this missense change (SIFT: "Not Available"; PolyPhen-2: "Probably Damaging"; Align-GVGD: "Not Available"). In summary, the available evidence is currently insufficient to determine the role of this variant in disease. Therefore, it has been classified as a Variant of Uncertain Significance.